The following is an entry in ClinVar:

NM_001184.4(ATR):c.869T>G (p.Leu290Arg)

Gene: ATR (ATR checkpoint kinase; minus strand). Cytogenetic location: 3q23.
Variant type: single nucleotide variant.
Coding change: c.869T>G on transcript NM_001184.4 (MANE Select); coding-DNA position 869, T replaced by G.
Protein change: p.Leu290Arg; replaces leucine 290 with arginine.
Molecular consequence: missense variant.
Genome position (GRCh38, 1-based): chr3:142,562,533, A>C on the plus strand (T>G on the coding strand, the complement: ATR is on the minus strand). VCF-style: chr3-142562533-A-C. GRCh37 (hg19) VCF-style: chr3-142281375-A-C.
Other names: c.869T>G, p.Leu290Arg (NM_001354579.2); short protein forms L290R.
Identifiers: ClinVar variation 1764349 (VCV001764349.3), dbSNP rs777402533, ClinGen allele CA2650714.

ClinVar aggregate classification (germline): Uncertain significance (1 of 4 stars; one submission).

Conditions:
Inborn genetic diseases. Identifiers: MedGen C0950123, MeSH D030342.

Allele frequency attached by ClinVar (database versions not stated): gnomAD exomes below 0.00001; ExAC 0.00001; gnomAD 0.00001.
gnomAD v4.1: 8 of 1,613,602 alleles (0.0005%); highest among the groups gnomAD compares: South Asian, 0.0022%; no homozygotes.

Submission:

Ambry Genetics
Classification: Uncertain significance for Inborn genetic diseases. Last evaluated: 2023-06-24. Review status: criteria provided, single submitter. Criteria: Ambry Variant Classification Scheme 2023. Collection method: clinical testing. Allele origin: germline.
Comment: The p.L290R variant (also known as c.869T>G), located in coding exon 4 of the ATR gene, results from a T to G substitution at nucleotide position 869. The leucine at codon 290 is replaced by arginine, an amino acid with dissimilar properties. This amino acid position is conserved. In addition, the in silico prediction for this alteration is inconclusive. Since supporting evidence is limited at this time, the clinical significance of this alteration remains unclear.